The following is an entry in ClinVar:

NM_001127511.3(APC):c.57C>G (p.Pro19=)

Gene: APC (APC regulator of Wnt signaling pathway; plus strand). Cytogenetic location: 5q22.2.
Variant type: single nucleotide variant.
Coding change: c.57C>G on transcript NM_001127511.3; coding-DNA position 57, C replaced by G.
Protein change: p.Pro19=; no amino-acid change (proline 19 retained).
Molecular consequence: synonymous variant. On other transcripts: intron variant (5), 5 prime UTR variant (8), non-coding transcript variant (1).
Genome position (GRCh38, 1-based): chr5:112,707,774, C>G. VCF-style: chr5-112707774-C-G. GRCh37 (hg19) VCF-style: chr5-112043471-C-G.
Other names: c.-19+125C>G (NM_001407458.1, NM_001407448.1, NM_001407450.1 and 1 more transcripts); c.-43+125C>G (NM_001407453.1); c.57C>G, p.Pro19= (NM_001354902.2, NM_001407446.1, NM_001354897.2); c.-127C>G (NM_001407447.1, NM_001407452.1, NM_001407456.1 and 3 more transcripts); c.-1162C>G (NM_001407470.1, NM_001407472.1).
Identifiers: ClinVar variation 2187013 (VCV002187013.3), dbSNP rs2149630747, ClinGen allele CA2580072328.

ClinVar aggregate classification (germline): Uncertain significance (1 of 4 stars; one submission).

Conditions:
Familial adenomatous polyposis 1 (FAP1). Also called: FAMILIAL ADENOMATOUS POLYPOSIS 1, ATTENUATED; POLYPOSIS, ADENOMATOUS INTESTINAL. Identifiers: MedGen C2713442, MONDO:0021056, OMIM 175100. Disease mechanism: loss of function.

Allele frequency attached by ClinVar (database versions not stated): gnomAD exomes below 0.00001.
gnomAD v4.1: 2 of 1,370,680 alleles (0.00015%); highest among the groups gnomAD compares: Non-Finnish European, 0.00019%; no homozygotes.

Submission:

Labcorp Genetics (formerly Invitae), Labcorp
Classification: Uncertain significance for Familial adenomatous polyposis 1. Last evaluated: 2022-10-13. Review status: criteria provided, single submitter. Criteria: Invitae Variant Classification Sherloc (09022015). Collection method: clinical testing. Allele origin: germline.
Comment: This variant is not present in population databases (gnomAD no frequency). This variant occurs in a non-coding region of the APC gene. It does not change the encoded amino acid sequence of the APC protein. This variant has not been reported in the literature in individuals affected with APC-related conditions. In summary, the available evidence is currently insufficient to determine the role of this variant in disease. Therefore, it has been classified as a Variant of Uncertain Significance. Experimental studies and prediction algorithms are not available or were not evaluated, and the functional significance of this variant is currently unknown.